The following is an entry in ClinVar:

ClinVar aggregate classification (germline): Likely pathogenic (1 of 4 stars; one submission).

Conditions:
Hereditary factor VIII deficiency disease (HEMA). Also called: HEMOPHILIA, CLASSIC; AUTOSOMAL HEMOPHILIA A; Hemophilia A; Hemophilia A, congenital; HEM A; Factor 8 deficiency, congenital. Identifiers: Orphanet 98878, MedGen C0019069, MONDO:0010602, OMIM 306700.

Submission:

Women's Health and Genetics/Laboratory Corporation of America, LabCorp
Classification: Likely pathogenic for Hereditary factor VIII deficiency disease. Last evaluated: 2025-07-28. Review status: criteria provided, single submitter. Criteria: LabCorp Variant Classification Summary - May 2015. Collection method: clinical testing. Allele origin: germline.
Comment: Variant summary: F8 c.787+1G>T is located in a canonical splice-site and is predicted to affect mRNA splicing resulting in a significantly altered protein due to either exon skipping, shortening, or inclusion of intronic material. Variants that disrupt the consensus splice site are a relatively common cause of aberrant splicing and loss of F8 function. The variant was absent in 183323 control chromosomes. c.787+1G>T has been observed in individuals affected with Factor VIII Deficiency (Hemophilia A) (e.g., Xue_2010, Zahari_2018). These data indicate that the variant may be associated with disease. To our knowledge, no experimental evidence demonstrating an impact on protein function has been reported. The following publications have been ascertained in the context of this evaluation (PMID: 20528906, 30210749). No submitters have cited clinical-significance assessments for this variant to ClinVar. Based on the evidence outlined above, the variant was classified as likely pathogenic.

Literature cited by the submitters: PubMed 20528906; PubMed 30210749.

NM_000132.4(F8):c.787+1G>T

Gene: F8 (coagulation factor VIII; minus strand). Cytogenetic location: Xq28.
Variant type: single nucleotide variant.
Coding change: c.787+1G>T on transcript NM_000132.4 (MANE Select); the canonical splice donor site of the intron after coding-DNA position 787, G replaced by T.
Molecular consequence: splice donor variant.
Genome position (GRCh38, 1-based): chrX:154,984,686, C>A on the plus strand (G>T on the coding strand, the complement: F8 is on the minus strand). VCF-style: chrX-154984686-C-A. GRCh37 (hg19) VCF-style: chrX-154212961-C-A.
Identifiers: ClinVar variation 4526163 (VCV004526163.1).